The following is an entry in ClinVar:

ClinVar aggregate classification (germline): Pathogenic (1 of 4 stars; one submission).

Submission:

ARUP Laboratories, Molecular Genetics and Genomics, ARUP Laboratories
Classification: Pathogenic. Last evaluated: 2025-01-22. Review status: criteria provided, single submitter. Criteria: ARUP Molecular Germline Variant Investigation Process 2024. Collection method: clinical testing. Allele origin: germline.
Comment: The SMAD4 c.974_975delinsG; p.Ser325Ter variant, to our knowledge, is not reported in the medical literature or gene specific databases. This variant is also absent from the Genome Aggregation Database (v2.1.1), indicating it is not a common polymorphism. This variant induces an early termination codon and is predicted to result in a truncated protein or mRNA subject to nonsense-mediated decay. Additionally, several downstream truncating variants have been described in individuals with juvenile polyposis/hereditary hemorrhagic telangiectasia syndrome and are considered pathogenic (Pyatt 2006, Schwenter 2012, Wain 2014). Based on available information, this variant is considered to be pathogenic. References: Pyatt RE et al. Mutation screening in juvenile polyposis syndrome. J Mol Diagn. 2006 Feb;8(1):84-8. PMID: 16436638. Schwenter F et al. Juvenile polyposis, hereditary hemorrhagic telangiectasia, and early onset colorectal cancer in patients with SMAD4 mutation. J Gastroenterol. 2012 Jul;47(7):795-804. PMID: 22331366. Wain KE et al. Appreciating the broad clinical features of SMAD4 mutation carriers: a multicenter chart review. Genet Med. 2014 Aug;16(8):588-93. PMID: 24525918.

NM_005359.6(SMAD4):c.974_975delinsG (p.Cys324_Ser325insTer)

Gene: SMAD4 (SMAD family member 4; plus strand). Cytogenetic location: 18q21.2.
Variant type: Indel.
Coding change: c.974_975delinsG on transcript NM_005359.6 (MANE Select); coding-DNA positions 974 to 975, CC replaced by G.
Protein change: p.Cys324_Ser325insTer.
Molecular consequence: nonsense. On other transcripts: non-coding transcript variant (2).
Genome position (GRCh38, 1-based): chr18:51,065,441-51,065,442, CC replaced by G. VCF-style: chr18-51065441-CC-G. GRCh37 (hg19) VCF-style: chr18-48591811-CC-G.
Other names: c.974_975delinsG, p.Cys324_Ser325insTer (NM_001407041.1, NM_001407042.1, NM_001407043.1).
Identifiers: ClinVar variation 4686073 (VCV004686073.1).